The following is an entry in ClinVar:

ClinVar aggregate classification (germline): Uncertain significance (1 of 4 stars; one submission).

Submission:

GeneDx
Classification: Uncertain significance. Last evaluated: 2023-02-02. Review status: criteria provided, single submitter. Criteria: GeneDx Variant Classification Process June 2021. Collection method: clinical testing. Allele origin: germline. Affected: yes.
Comment: Not observed at significant frequency in large population cohorts (gnomAD); In silico analysis supports that this missense variant has a deleterious effect on protein structure/function; Has not been previously published as pathogenic or benign to our knowledge

NM_001042545.2(LTBP4):c.4450G>A (p.Val1484Ile)

Gene: LTBP4 (latent transforming growth factor beta binding protein 4; plus strand). Cytogenetic location: 19q13.2.
Variant type: single nucleotide variant.
Coding change: c.4450G>A on transcript NM_001042545.2 (MANE Select); coding-DNA position 4450, G replaced by A.
Protein change: p.Val1484Ile; replaces valine 1484 with isoleucine.
Molecular consequence: missense variant.
Genome position (GRCh38, 1-based): chr19:40,627,788, G>A. VCF-style: chr19-40627788-G-A. GRCh37 (hg19) VCF-style: chr19-41133693-G-A.
Other names: c.4651G>A, p.Val1551Ile (NM_001042544.1); c.4540G>A, p.Val1514Ile (NM_003573.2); short protein forms V1484I, V1514I, V1551I.
Identifiers: ClinVar variation 2574828 (VCV002574828.1), dbSNP rs866900228, ClinGen allele CA308436923.
Genomic context (GRCh38, chr19:40,627,788, plus strand): 5'-GAGCTGGAGGCGGAGGAGTGCGGGATCCTGGACGGCTGCACCAACGGCCGCTGCGTGCGC[G>A]TCCCCGAAGGCTTCACCTGCCGTTGCTTCGACGGCTACCGCCTGGACATGACCCGCATGG-3'
Protein context (NP_001036010.1, residues 1474-1494): DGCTNGRCVR[Val1484Ile]PEGFTCRCFD